The following is an entry in ClinVar:

ClinVar aggregate classification (germline): Uncertain significance (1 of 4 stars; one submission).

Allele frequency attached by ClinVar (database versions not stated): gnomAD exomes below 0.00001.
gnomAD v4.1: 5 of 1,613,198 alleles (0.00031%); highest among the groups gnomAD compares: East Asian, 0.0022%; no homozygotes.

Submission:

GeneDx
Classification: Uncertain significance. Last evaluated: 2022-10-11. Review status: criteria provided, single submitter. Criteria: GeneDx Variant Classification Process June 2021. Collection method: clinical testing. Allele origin: germline. Affected: yes.
Comment: In silico analysis supports that this missense variant has a deleterious effect on protein structure/function; Has not been previously published as pathogenic or benign to our knowledge

NM_015267.4(CUX2):c.1664C>T (p.Thr555Met)

Gene: CUX2 (cut like homeobox 2; plus strand). Cytogenetic location: 12q24.12.
Variant type: single nucleotide variant.
Coding change: c.1664C>T on transcript NM_015267.4 (MANE Select); coding-DNA position 1664, C replaced by T.
Protein change: p.Thr555Met; replaces threonine 555 with methionine.
Molecular consequence: missense variant.
Genome position (GRCh38, 1-based): chr12:111,310,446, C>T. VCF-style: chr12-111310446-C-T. GRCh37 (hg19) VCF-style: chr12-111748250-C-T.
Other names: c.1478C>T, p.Thr493Met (NM_001370598.1); short protein forms T493M, T555M.
Identifiers: ClinVar variation 2499314 (VCV002499314.1), dbSNP rs1409428904, ClinGen allele CA386709629.